The following is an entry in ClinVar:

ClinVar aggregate classification (germline): Uncertain significance (1 of 4 stars; one submission).

Conditions:
Cardiovascular phenotype. Identifiers: MedGen CN230736.

Submission:

Ambry Genetics
Classification: Uncertain significance for Cardiovascular phenotype. Last evaluated: 2026-05-18. Review status: criteria provided, single submitter. Criteria: Ambry Variant Classification Scheme 2023. Collection method: clinical testing. Allele origin: germline.
Comment: The p.P540L variant (also known as c.1619C>T), located in coding exon 12 of the ENG gene, results from a C to T substitution at nucleotide position 1619. The proline at codon 540 is replaced by leucine, an amino acid with similar properties. This amino acid position is conserved. In addition, the in silico prediction for this alteration is inconclusive. Based on the available evidence, the clinical significance of this variant remains unclear.

NM_001114753.3(ENG):c.1619C>T (p.Pro540Leu)

Genes: ENG (endoglin; minus strand), LOC102723566 (uncharacterized LOC102723566; plus strand). Cytogenetic location: 9q34.11.
Variant type: single nucleotide variant.
Coding change: c.1619C>T on transcript NM_001114753.3 (MANE Select); coding-DNA position 1619, C replaced by T.
Protein change: p.Pro540Leu; replaces proline 540 with leucine.
Molecular consequence: missense variant.
Genome position (GRCh38, 1-based): chr9:127,818,187, G>A on the plus strand (C>T on the coding strand, the complement: ENG is on the minus strand). VCF-style: chr9-127818187-G-A. GRCh37 (hg19) VCF-style: chr9-130580466-G-A.
Other names: c.1619C>T, p.Pro540Leu (NM_000118.4); c.1073C>T, p.Pro358Leu (NM_001278138.2); short protein forms P358L, P540L.
Identifiers: ClinVar variation 4870402 (VCV004870402.1).
Genomic context (GRCh38, chr9:127,818,187, plus strand): 5'-TGAGACCCGGTCTTGGGACGCAGGGCTACCGTGCAGCTGAGGGTGCCGGTTTTGGGTATG[G>A]GTACTGTGTAGAAGTGGAGGAGGAAGCTGAAGCGCGGGTCACCCTCGGGGCTTGGGGACA-3'
Protein context (NP_001108225.1, residues 530-550): FSFLLHFYTV[Pro540Leu]IPKTGTLSCT